The following is an entry in ClinVar:

NM_020975.6(RET):c.624G>A (p.Glu208=)

Gene: RET (ret proto-oncogene; plus strand). Cytogenetic location: 10q11.21.
Variant type: single nucleotide variant.
Coding change: c.624G>A on transcript NM_020975.6 (MANE Select); coding-DNA position 624, G replaced by A.
Protein change: p.Glu208=; no amino-acid change (glutamic acid 208 retained).
Molecular consequence: synonymous variant. On other transcripts: intron variant (15).
Genome position (GRCh38, 1-based): chr10:43,102,628, G>A. VCF-style: chr10-43102628-G-A. GRCh37 (hg19) VCF-style: chr10-43598076-G-A.
Other names: c.624G>A, p.Glu208= (NM_001406743.1, NM_001406744.1, NM_001406759.1 and 14 more transcripts); c.495G>A, p.Glu165= (NM_001406761.1, NM_001406762.1, NM_001406764.1 and 4 more transcripts); c.337+1906G>A (NM_001406770.1, NM_001406766.1, NM_001406767.1 and 8 more transcripts); c.74-6403G>A (NM_001406784.1); c.74-9471G>A (NM_001406794.1, NM_001406792.1, NM_001406793.1).
Identifiers: ClinVar variation 4695849 (VCV004695849.1).

ClinVar aggregate classification (germline): Uncertain significance (1 of 4 stars; one submission).

Conditions:
Multiple endocrine neoplasia, type 2 (MEN2). Identifiers: Orphanet 653, MedGen C4048306, MONDO:0019003. Disease mechanism: gain of function.

Submission:

Labcorp Genetics (formerly Invitae), Labcorp
Classification: Uncertain significance for Multiple endocrine neoplasia, type 2. Last evaluated: 2025-07-20. Review status: criteria provided, single submitter. Criteria: Invitae Variant Classification Sherloc (09022015). Collection method: clinical testing. Allele origin: germline.
Comment: This sequence change affects codon 208 of the RET mRNA. It is a 'silent' change, meaning that it does not change the encoded amino acid sequence of the RET protein. It affects a nucleotide within the consensus splice site. This variant is not present in population databases (gnomAD no frequency). This variant has not been reported in the literature in individuals affected with RET-related conditions. Algorithms developed to predict the effect of sequence changes on RNA splicing suggest that this variant is not likely to affect RNA splicing. In summary, the available evidence is currently insufficient to determine the role of this variant in disease. Therefore, it has been classified as a Variant of Uncertain Significance.